The following is an entry in ClinVar:

ClinVar aggregate classification (germline): Uncertain significance (1 of 4 stars; one submission).

Conditions:
Joubert syndrome 18 (JBTS18). Identifiers: Orphanet 2754, MedGen C3553758, MONDO:0013896, OMIM 614815.
Orofacial-digital syndrome IV (OFD4). Also called: BARAITSER-BURN SYNDROME; MOHR-MAJEWSKI SYNDROME; OFD SYNDROME WITH TIBIAL DEFECTS; OFD SYNDROME, BARAITSER-BURN TYPE; OFDS IV; ORAL-FACIAL-DIGITAL SYNDROME, TYPE IV. Identifiers: Orphanet 2753, MedGen C0406727, MONDO:0009794, OMIM 258860.

Submission:

Labcorp Genetics (formerly Invitae), Labcorp
Classification: Uncertain significance for Joubert syndrome 18; Orofacial-digital syndrome IV. Last evaluated: 2022-06-28. Review status: criteria provided, single submitter. Criteria: Invitae Variant Classification Sherloc (09022015). Collection method: clinical testing. Allele origin: germline.
Comment: This variant is not present in population databases (gnomAD no frequency). This sequence change replaces valine, which is neutral and non-polar, with glycine, which is neutral and non-polar, at codon 420 of the TCTN3 protein (p.Val420Gly). This variant has not been reported in the literature in individuals affected with TCTN3-related conditions. Algorithms developed to predict the effect of missense changes on protein structure and function (SIFT, PolyPhen-2, Align-GVGD) all suggest that this variant is likely to be disruptive. In summary, the available evidence is currently insufficient to determine the role of this variant in disease. Therefore, it has been classified as a Variant of Uncertain Significance.

NM_015631.6(TCTN3):c.1259T>G (p.Val420Gly)

Gene: TCTN3 (tectonic family member 3; minus strand). Cytogenetic location: 10q24.1.
Variant type: single nucleotide variant.
Coding change: c.1259T>G on transcript NM_015631.6 (MANE Select); coding-DNA position 1259, T replaced by G.
Protein change: p.Val420Gly; replaces valine 420 with glycine.
Molecular consequence: missense variant.
Genome position (GRCh38, 1-based): chr10:95,683,140, A>C on the plus strand (T>G on the coding strand, the complement: TCTN3 is on the minus strand). VCF-style: chr10-95683140-A-C. GRCh37 (hg19) VCF-style: chr10-97442897-A-C.
Other names: c.815T>G, p.Val272Gly (NM_001143973.2); short protein forms V420G, V272G.
Identifiers: ClinVar variation 1417918 (VCV001417918.6), dbSNP rs2139738378, ClinGen allele CA377703469.